The following is an entry in ClinVar:

NM_000489.6(ATRX):c.797A>G (p.Tyr266Cys)

Gene: ATRX (ATRX chromatin remodeler; minus strand). Cytogenetic location: Xq21.1.
Variant type: single nucleotide variant.
Coding change: c.797A>G on transcript NM_000489.6 (MANE Select); coding-DNA position 797, A replaced by G.
Protein change: p.Tyr266Cys; replaces tyrosine 266 with cysteine.
Molecular consequence: missense variant.
Genome position (GRCh38, 1-based): chrX:77,684,459, T>C on the plus strand (A>G on the coding strand, the complement: ATRX is on the minus strand). VCF-style: chrX-77684459-T-C. GRCh37 (hg19) VCF-style: chrX-76939951-T-C.
Other names: c.683A>G, p.Tyr228Cys (NM_138270.5); short protein forms Y228C, Y266C.
Identifiers: ClinVar variation 3378414 (VCV003378414.2).

ClinVar aggregate classification (germline): Likely pathogenic (1 of 4 stars; one submission).

Conditions:
Alpha thalassemia-X-linked intellectual disability syndrome (ATRX). Also called: ALPHA-THALASSEMIA/MENTAL RETARDATION SYNDROME, X-LINKED; ATR, NONDELETION TYPE; ATR-X syndrome; Alpha thalassemia mental retardation syndrome, nondeletion type, X-linked; XLMR hypotonic face syndrome; X-linked alpha-thalassemia-mental retardation syndrome. Identifiers: Orphanet 847, MedGen C1845055, MONDO:0010519, OMIM 301040.

Submission:

Molecular Genetics Laboratory, Motol Hospital
Classification: Likely pathogenic for Alpha thalassemia-X-linked intellectual disability syndrome. Last evaluated: 2024-11-20. Review status: criteria provided, single submitter. Criteria: ACMG Guidelines, 2015. Collection method: clinical testing. Allele origin: maternal. Affected: yes. Observed: 1 variant allele.
Comment: Rare missense variants affecting the ATRX gene are well documented as a molecular cause of "X-linked alpha-thalassemia/impaired intellectual development syndrome" (OMIM:301040) (PMID:16813605;1770528;7726225;11449489). To conclude, the variant is classified as likely pathogenic (ACMG PM2, PM1, PP3, PP2).

Literature cited by the submitters: PubMed 16813605; PubMed 1770528; PubMed 7726225; PubMed 11449489.